The following is an entry in ClinVar:

NM_022124.6(CDH23):c.3262G>A (p.Val1088Met)

Genes: C10orf105 (chromosome 10 open reading frame 105; minus strand), CDH23 (cadherin related 23; plus strand). Cytogenetic location: 10q22.1.
Variant type: single nucleotide variant.
Coding change: c.3262G>A on transcript NM_022124.6 (MANE Select); coding-DNA position 3262, G replaced by A.
Protein change: p.Val1088Met; replaces valine 1088 with methionine.
Molecular consequence: missense variant. On other transcripts: 3 prime UTR variant (2).
Genome position (GRCh38, 1-based): chr10:71,712,706, G>A. VCF-style: chr10-71712706-G-A. GRCh37 (hg19) VCF-style: chr10-73472463-G-A.
Other names: c.*3230C>T (NM_001164375.3, NM_001168390.2); c.3262G>A, p.Val1088Met (NM_001171930.2); short protein forms V1088M.
Identifiers: ClinVar variation 45912 (VCV000045912.31), dbSNP rs200632520, ClinGen allele CA137362.

ClinVar aggregate classification (germline): Conflicting classifications of pathogenicity. Review status: criteria provided, conflicting classifications (1 of 4 stars). 14 submissions from 13 submitters: Uncertain significance (10); Likely benign (2). 2 of the submissions do not count toward it. Last evaluated 2026-01-24.

Conditions:
CDH23-related disorder. Also called: CDH23-related disorders; CDH23-related condition.
Autosomal recessive nonsyndromic hearing loss 12. Also called: DEAFNESS, AUTOSOMAL RECESSIVE 12. Identifiers: Orphanet 90636, MedGen C1832394, MONDO:0011067, OMIM 601386.
Usher syndrome type 1D (USH1D). Also called: USHER SYNDROME, TYPE ID. Identifiers: Orphanet 231169, Orphanet 886, MedGen C1832845, MONDO:0010984, OMIM 601067.
Pituitary adenoma 5, multiple types. Identifiers: MedGen C4539685, MONDO:0054601, OMIM 617540.
Usher syndrome type 1 (USH1). Also called: RETINITIS PIGMENTOSA AND CONGENITAL DEAFNESS. Identifiers: Orphanet 231169, Orphanet 886, MedGen C1568247, MONDO:0010168, OMIM 276900.

Allele frequency attached by ClinVar (database versions not stated): gnomAD 0.00009; 1000 Genomes Project 30x 0.00016; ExAC 0.00010; TOPMed 0.00013; gnomAD exomes 0.00017.
gnomAD v4.1: 119 of 1,613,722 alleles (0.0074%); highest among the groups gnomAD compares: East Asian, 0.13%; no homozygotes.

Submissions (14):

Labcorp Genetics (formerly Invitae), Labcorp
Classification: Likely benign. Last evaluated: 2026-01-24. Review status: criteria provided, single submitter. Criteria: Invitae Variant Classification Sherloc (09022015). Collection method: clinical testing. Allele origin: germline.

Women's Health and Genetics/Laboratory Corporation of America, LabCorp
Classification: Uncertain significance. Last evaluated: 2025-11-05. Review status: criteria provided, single submitter. Criteria: LabCorp Variant Classification Summary - May 2015. Collection method: clinical testing. Allele origin: germline.
Comment: Variant summary: CDH23 c.3262G>A (p.Val1088Met) results in a conservative amino acid change in the encoded protein sequence. Algorithms developed to predict the effect of missense changes on protein structure and function are either unavailable or do not agree on the potential impact of this missense change. The variant allele was found at a frequency of 0.00017 in 248318 control chromosomes. This frequency is not significantly higher than estimated for disease-causing variants in CDH23, allowing no conclusion about variant significance. c.3262G>A has been observed in the presumed compound heterozygous state in at least 2 individual(s) affected with isolated deafness (example, Ma_2023) as well as other individuals affected with various forms of deafness without strong evidence for causality (example, Xie_2021, Santos-Cortez_2021). These report(s) do not provide unequivocal conclusions about association of the variant with Usher Syndrome. To our knowledge, no experimental evidence demonstrating an impact on protein function has been reported. The following publications have been ascertained in the context of this evaluation (PMID: 36597107, 28413019, 27792758, 29269699, 34335733, 33924653). ClinVar contains an entry for this variant (Variation ID: 45912). Based on the evidence outlined above, the variant was classified as uncertain significance.

Blueprint Genetics
Classification: Likely benign. Last evaluated: 2024-10-28. Review status: criteria provided, single submitter. Criteria: ACMG Guidelines, 2015. Collection method: clinical testing. Allele origin: germline.

Mayo Clinic Laboratories, Mayo Clinic
Classification: Uncertain significance. Last evaluated: 2024-04-02. Review status: criteria provided, single submitter. Criteria: ACMG Guidelines, 2015. Collection method: clinical testing. Allele origin: germline. Observed: 1 variant allele.
Comment: BS1_supporting

Clinical Genetics Laboratory, Skane University Hospital Lund
Classification: Uncertain significance. Last evaluated: 2022-05-27. Review status: criteria provided, single submitter. Criteria: ACMG Guidelines, 2015. Collection method: clinical testing. Allele origin: germline. Affected: yes.

Ocular Genomics Institute, Massachusetts Eye and Ear
Classification: Uncertain significance for Usher syndrome type 1D. Last evaluated: 2021-04-08. Review status: criteria provided, single submitter. Criteria: ACMG Guidelines, 2015. Collection method: research. Allele origin: germline. Affected: yes.
Comment: Through a review of available evidence we were able to apply the following criteria: PM2. Based on this evidence we have classified this variant as Variant of Uncertain Significance.

GeneDx
Classification: Uncertain significance. Last evaluated: 2021-01-07. Review status: criteria provided, single submitter. Criteria: GeneDx Variant Classification Process June 2021. Collection method: clinical testing. Allele origin: germline. Affected: yes.
Comment: Reported in a patient with a pituitary adenoma in the published literature (Zhang et al., 2017); In silico analysis supports that this missense variant does not alter protein structure/function; This variant is associated with the following publications: (PMID: 28413019)

Fulgent Genetics
Classification: Uncertain significance for Usher syndrome type 1D; Autosomal recessive nonsyndromic hearing loss 12; Pituitary adenoma 5, multiple types. Last evaluated: 2018-10-31. Review status: criteria provided, single submitter. Criteria: ACMG Guidelines, 2015. Collection method: clinical testing. Allele origin: unknown.

Laboratory for Molecular Medicine, Mass General Brigham Personalized Medicine
Classification: Uncertain significance. Last evaluated: 2018-05-29. Review status: criteria provided, single submitter. Criteria: LMM Criteria. Collection method: clinical testing. Allele origin: germline. Observed: 4 variant alleles.
Comment: Variant classified as Uncertain Significance - Favor Benign. The p.Val1088Met va riant in CDH23 has been previously reported in two probands with hearing loss by our laboratory. However, it also has been identified in 0.2% (40/18854) of Eas t Asian chromosomes by the Genome Aggregation Database (gnomAD; dbSNP rs200632520). Although this variant has been seen in the general population, its frequency is not high enough to rule out a pathogenic r ole. This variant has also been reported in ClinVar (Variation ID 45912; Illumi na - VUS). Computational prediction tools and conservation analysis suggest that the p.Val1088Met variant may impact the protein, though this information is not predictive enough to determine pathogenicity. In summary, while the clinical si gnificance of the p.Val1088Met variant is uncertain, its frequency suggests that it is more likely to be benign. ACMG/AMP Criteria applied: PP3, BS1_Supporting.

Illumina Laboratory Services, Illumina
Classification: Uncertain significance for Usher syndrome type 1D. Last evaluated: 2018-01-12. Review status: criteria provided, single submitter. Criteria: ICSL Variant Classification Criteria 13 December 2019. Collection method: clinical testing. Allele origin: germline.

Illumina Laboratory Services, Illumina
Classification: Uncertain significance for Autosomal recessive nonsyndromic hearing loss 12. Last evaluated: 2018-01-12. Review status: criteria provided, single submitter. Criteria: ICSL Variant Classification Criteria 13 December 2019. Collection method: clinical testing. Allele origin: germline.

Juno Genomics, Hangzhou Juno Genomics, Inc
Classification: Uncertain significance for Pituitary adenoma 5, multiple types; Autosomal recessive nonsyndromic hearing loss 12; Usher syndrome type 1D. Review status: criteria provided, single submitter. Criteria: ACMG Guidelines, 2015. Collection method: clinical testing. Allele origin: germline.
Comment: Absent from controls (or at extremely low frequency if recessive) in Genome Aggregation Database.

PreventionGenetics, part of Exact Sciences
Classification: Likely benign for CDH23-related condition. Last evaluated: 2023-07-28. Review status: no assertion criteria provided. Collection method: clinical testing. Allele origin: germline. Not counted in ClinVar's aggregate classification.
Comment: This variant is classified as likely benign based on ACMG/AMP sequence variant interpretation guidelines (Richards et al. 2015 PMID: 25741868, with internal and published modifications).

Natera, Inc.
Classification: Uncertain significance for Usher syndrome type 1. Last evaluated: 2020-09-16. Review status: no assertion criteria provided. Collection method: clinical testing. Allele origin: germline. Not counted in ClinVar's aggregate classification.

Literature cited by the submitters: PubMed 34335733 (cited by Women's Health and Genetics/Laboratory Corporation of America, LabCorp and Mayo Clinic Laboratories, Mayo Clinic); PubMed 27792758 (cited by Women's Health and Genetics/Laboratory Corporation of America, LabCorp); PubMed 33924653 (cited by Women's Health and Genetics/Laboratory Corporation of America, LabCorp and Mayo Clinic Laboratories, Mayo Clinic); PubMed 29269699 (cited by Women's Health and Genetics/Laboratory Corporation of America, LabCorp); PubMed 28413019 (cited by Women's Health and Genetics/Laboratory Corporation of America, LabCorp and Mayo Clinic Laboratories, Mayo Clinic); PubMed 36597107 (cited by Women's Health and Genetics/Laboratory Corporation of America, LabCorp and Mayo Clinic Laboratories, Mayo Clinic).